The following is an entry in ClinVar:

NM_144573.4(NEXN):c.1252-16_1252-12delinsA

Gene: NEXN (nexilin F-actin binding protein; plus strand). Cytogenetic location: 1p31.1.
Variant type: Indel.
Coding change: c.1252-16_1252-12delinsA on transcript NM_144573.4 (MANE Select); 16 bases into the intron before coding-DNA position 1252 through 12 bases into the intron before coding-DNA position 1252, TTAAT replaced by A.
Molecular consequence: intron variant.
Genome position (GRCh38, 1-based): chr1:77,935,807-77,935,811, TTAAT replaced by A. VCF-style: chr1-77935807-TTAAT-A. GRCh37 (hg19) VCF-style: chr1-78401492-TTAAT-A.
Other names: c.1060-16_1060-12delinsA (NM_001172309.2); c.1252-16_1252-12delTTAATinsA (NM_144573.3).
Identifiers: ClinVar variation 423049 (VCV000423049.3), dbSNP rs1064796194, ClinGen allele CA16617192.

ClinVar aggregate classification (germline): Uncertain significance. Review status: criteria provided, multiple submitters, no conflicts (2 of 4 stars). 2 submissions from 2 submitters: Uncertain significance (2). Last evaluated 2025-03-25.

Submissions (2):

GeneDx
Classification: Uncertain significance. Last evaluated: 2025-03-25. Review status: criteria provided, single submitter. Criteria: GeneDx Variant Classification Process June 2021. Collection method: clinical testing. Allele origin: germline. Affected: yes.
Comment: Not observed at significant frequency in large population cohorts (gnomAD); Has not been previously published as pathogenic or benign to our knowledge; In silico analysis is inconclusive as to whether the variant alters gene splicing. In the absence of RNA/functional studies, the actual effect of this sequence change is unknown.

Blueprint Genetics
Classification: Uncertain significance. Last evaluated: 2020-07-08. Review status: criteria provided, single submitter. Criteria: ACMG Guidelines, 2015. Collection method: clinical testing. Allele origin: germline.